The following is an entry in ClinVar:

ClinVar aggregate classification (germline): Uncertain significance. Review status: criteria provided, multiple submitters, no conflicts (2 of 4 stars). 2 submissions from 2 submitters: Uncertain significance (2). Last evaluated 2025-12-16.

Conditions:
Cardiovascular phenotype. Identifiers: MedGen CN230736.
Long QT syndrome 10 (LQT10). Identifiers: Orphanet 101016, Orphanet 768, MedGen C2678484, MONDO:0012737, OMIM 611819.

gnomAD v4.1: 1 of 1,612,498 alleles (0.000062%); highest among the groups gnomAD compares: African/African-American, 0.0013%; no homozygotes.

Submissions (2):

Ambry Genetics
Classification: Uncertain significance for Cardiovascular phenotype. Last evaluated: 2025-12-16. Review status: criteria provided, single submitter. Criteria: Ambry Variant Classification Scheme 2023. Collection method: clinical testing. Allele origin: germline.
Comment: The p.F148L variant (also known as c.442T>C), located in coding exon 3 of the SCN4B gene, results from a T to C substitution at nucleotide position 442. The phenylalanine at codon 148 is replaced by leucine, an amino acid with highly similar properties. This amino acid position is conserved. In addition, this alteration is predicted to be tolerated by in silico analysis. Based on the available evidence, the clinical significance of this variant remains unclear.

Labcorp Genetics (formerly Invitae), Labcorp
Classification: Uncertain significance for Long QT syndrome 10. Last evaluated: 2025-11-18. Review status: criteria provided, single submitter. Criteria: Invitae Variant Classification Sherloc (09022015). Collection method: clinical testing. Allele origin: germline.
Comment: This sequence change replaces phenylalanine, which is neutral and non-polar, with leucine, which is neutral and non-polar, at codon 148 of the SCN4B protein (p.Phe148Leu). This variant is not present in population databases (gnomAD no frequency). This variant has not been reported in the literature in individuals affected with SCN4B-related conditions. An algorithm developed to predict the effect of missense changes on protein structure and function (PolyPhen-2) suggests that this variant is likely to be tolerated. In summary, the available evidence is currently insufficient to determine the role of this variant in disease. Therefore, it has been classified as a Variant of Uncertain Significance.

NM_174934.4(SCN4B):c.442T>C (p.Phe148Leu)

Genes: SCN4B (sodium voltage-gated channel beta subunit 4; minus strand), LOC126861356 (BRD4-independent group 4 enhancer GRCh37_chr11:118014519-118015718; plus strand). Cytogenetic location: 11q23.3.
Variant type: single nucleotide variant.
Coding change: c.442T>C on transcript NM_174934.4 (MANE Select); coding-DNA position 442, T replaced by C.
Protein change: p.Phe148Leu; replaces phenylalanine 148 with leucine.
Molecular consequence: missense variant. On other transcripts: intron variant (1).
Genome position (GRCh38, 1-based): chr11:118,143,854, A>G on the plus strand (T>C on the coding strand, the complement: SCN4B is on the minus strand). VCF-style: chr11-118143854-A-G. GRCh37 (hg19) VCF-style: chr11-118014569-A-G.
Other names: c.112T>C, p.Phe38Leu (NM_001142349.2); c.62-2518T>C (NM_001142348.2); short protein forms F148L, F38L.
Identifiers: ClinVar variation 4696764 (VCV004696764.2).